The following is an entry in ClinVar:

ClinVar aggregate classification (germline): Uncertain significance. Review status: criteria provided, multiple submitters, no conflicts (2 of 4 stars). 2 submissions from 2 submitters: Uncertain significance (2). Last evaluated 2023-08-04.

Allele frequency attached by ClinVar (database versions not stated): gnomAD exomes below 0.00001 and 0.00001; ExAC 0.00001; TOPMed 0.00001; gnomAD 0.00004.

Submissions (2):

Labcorp Genetics (formerly Invitae), Labcorp
Classification: Uncertain significance. Last evaluated: 2023-08-04. Review status: criteria provided, single submitter. Criteria: Invitae Variant Classification Sherloc (09022015). Collection method: clinical testing. Allele origin: germline.
Comment: Advanced modeling of protein sequence and biophysical properties (such as structural, functional, and spatial information, amino acid conservation, physicochemical variation, residue mobility, and thermodynamic stability) performed at Invitae indicates that this missense variant is not expected to disrupt PDE6A protein function. In summary, the available evidence is currently insufficient to determine the role of this variant in disease. Therefore, it has been classified as a Variant of Uncertain Significance. ClinVar contains an entry for this variant (Variation ID: 842581). This sequence change replaces methionine, which is neutral and non-polar, with valine, which is neutral and non-polar, at codon 138 of the PDE6A protein (p.Met138Val). This variant is present in population databases (rs746179949, gnomAD 0.008%). This variant has not been reported in the literature in individuals affected with PDE6A-related conditions.

Blueprint Genetics
Classification: Uncertain significance. Last evaluated: 2021-07-20. Review status: criteria provided, single submitter. Criteria: ACMG Guidelines, 2015. Collection method: clinical testing. Allele origin: germline.

NM_000440.3(PDE6A):c.412A>G (p.Met138Val)

Gene: PDE6A (phosphodiesterase 6A; minus strand). Cytogenetic location: 5q32.
Variant type: single nucleotide variant.
Coding change: c.412A>G on transcript NM_000440.3 (MANE Select); coding-DNA position 412, A replaced by G.
Protein change: p.Met138Val; replaces methionine 138 with valine.
Molecular consequence: missense variant.
Genome position (GRCh38, 1-based): chr5:149,944,262, T>C on the plus strand (A>G on the coding strand, the complement: PDE6A is on the minus strand). VCF-style: chr5-149944262-T-C. GRCh37 (hg19) VCF-style: chr5-149323825-T-C.
Other names: short protein forms M138V.
Identifiers: ClinVar variation 842581 (VCV000842581.10), dbSNP rs746179949, ClinGen allele CA3505059.